The following is an entry in ClinVar:

NC_000005.9:g.(?_78251108)_(78251335_?)del

Gene: ARSB (arylsulfatase B; minus strand). Cytogenetic location: 5q14.1.
Variant type: Deletion.
Identifiers: ClinVar variation 2422191 (VCV002422191.5).

ClinVar aggregate classification (germline): Pathogenic (1 of 4 stars; one submission).

Conditions:
Mucopolysaccharidosis type 6 (MPS6). Also called: N-ACETYLGALACTOSAMINE-4-SULFATASE DEFICIENCY; MPS 6; Maroteaux Lamy syndrome; MPS VI; ARSB DEFICIENCY; ARYLSULFATASE B DEFICIENCY. Identifiers: Orphanet 583, MedGen C0026709, MONDO:0009661, OMIM 253200.

Submission:

Labcorp Genetics (formerly Invitae), Labcorp
Classification: Pathogenic for Mucopolysaccharidosis type 6. Last evaluated: 2021-11-09. Review status: criteria provided, single submitter. Criteria: Invitae Variant Classification Sherloc (09022015). Collection method: clinical testing. Allele origin: germline.
Comment: This variant is a gross deletion of the genomic region encompassing exon(s) 4 of the ARSB gene. This deletion is out-of-frame, and is expected to create a premature termination codon and result in an absent or disrupted protein product. Loss-of-function variants in ARSB are known to be pathogenic (PMID: 17458871, 22133300). A similar copy number variant has been observed in individual(s) with mucopolysaccharidosis type VI (PMID: 25797215). For these reasons, this variant has been classified as Pathogenic.

Literature cited by the submitters: PubMed 17458871; PubMed 22133300; PubMed 25797215.